The following is an entry in ClinVar:

ClinVar aggregate classification (germline): Likely benign (1 of 4 stars; one submission).

Allele frequency attached by ClinVar (database versions not stated): 1000 Genomes Project 0.00180; 1000 Genomes Project 30x 0.00219; gnomAD 0.00323; TOPMed 0.00337; ExAC 0.00338; ESP Exome Variant Server 0.00408; gnomAD exomes 0.00521.
gnomAD v4.1: 7,827 of 1,566,120 alleles (0.5%); highest among the groups gnomAD compares: Non-Finnish European, 0.63%; 29 homozygotes.

Submission:

CeGaT Center for Human Genetics Tuebingen
Classification: Likely benign. Last evaluated: 2023-03-01. Review status: criteria provided, single submitter. Criteria: CeGaT Center For Human Genetics Tuebingen Variant Classification Criteria Version 2. Collection method: clinical testing. Allele origin: germline. Affected: yes. Observed: 2 variant alleles.
Comment: KMT5C: BP4, BS2

NM_032701.4(KMT5C):c.277-4C>A

Gene: KMT5C (lysine methyltransferase 5C; plus strand). Cytogenetic location: 19q13.42.
Variant type: single nucleotide variant.
Coding change: c.277-4C>A on transcript NM_032701.4 (MANE Select); 4 bases into the intron before coding-DNA position 277, C replaced by A.
Molecular consequence: intron variant.
Genome position (GRCh38, 1-based): chr19:55,342,738, C>A. VCF-style: chr19-55342738-C-A. GRCh37 (hg19) VCF-style: chr19-55854106-C-A.
Identifiers: ClinVar variation 2650518 (VCV002650518.24), dbSNP rs117923849, ClinGen allele CA9673227.
Genomic context (GRCh38, chr19:55,342,738, plus strand): 5'-CTGGAGAGAGAGGGCCAAAGATGCCCCTGCCCCGCCTCCTCACCCCCACCCTCACCCTCA[C>A]CAGGTCTATCGCTACCTCCGTGCCTTCCTGCCGGAAAGTGGCTTTACCATCCTGCCCTGC-3'